The following is an entry in ClinVar:

ClinVar aggregate classification (germline): Uncertain significance. Review status: criteria provided, multiple submitters, no conflicts (2 of 4 stars). 2 submissions from 2 submitters: Uncertain significance (2). Last evaluated 2023-12-05.

Allele frequency attached by ClinVar (database versions not stated): TOPMed 0.00008; gnomAD 0.00009; ESP Exome Variant Server 0.00023.

Submissions (2):

Blueprint Genetics
Classification: Uncertain significance. Last evaluated: 2023-12-05. Review status: criteria provided, single submitter. Criteria: ACMG Guidelines, 2015. Collection method: clinical testing. Allele origin: germline.

Labcorp Genetics (formerly Invitae), Labcorp
Classification: Uncertain significance. Last evaluated: 2022-08-09. Review status: criteria provided, single submitter. Criteria: Invitae Variant Classification Sherloc (09022015). Collection method: clinical testing. Allele origin: germline.
Comment: This sequence change replaces aspartic acid, which is acidic and polar, with histidine, which is basic and polar, at codon 197 of the ABCA4 protein (p.Asp197His). This variant is present in population databases (rs142985501, gnomAD 0.01%). This variant has not been reported in the literature in individuals affected with ABCA4-related conditions. ClinVar contains an entry for this variant (Variation ID: 851017). Advanced modeling of protein sequence and biophysical properties (such as structural, functional, and spatial information, amino acid conservation, physicochemical variation, residue mobility, and thermodynamic stability) performed at Invitae indicates that this missense variant is not expected to disrupt ABCA4 protein function. In summary, the available evidence is currently insufficient to determine the role of this variant in disease. Therefore, it has been classified as a Variant of Uncertain Significance.

NM_000350.3(ABCA4):c.589G>C (p.Asp197His)

Gene: ABCA4 (ATP binding cassette subfamily A member 4; minus strand). Cytogenetic location: 1p22.1.
Variant type: single nucleotide variant.
Coding change: c.589G>C on transcript NM_000350.3 (MANE Select); coding-DNA position 589, G replaced by C.
Protein change: p.Asp197His; replaces aspartic acid 197 with histidine.
Molecular consequence: missense variant.
Genome position (GRCh38, 1-based): chr1:94,098,973, C>G on the plus strand (G>C on the coding strand, the complement: ABCA4 is on the minus strand). VCF-style: chr1-94098973-C-G. GRCh37 (hg19) VCF-style: chr1-94564529-C-G.
Other names: c.589G>C, p.Asp197His (NM_001425324.1); short protein forms D197H.
Identifiers: ClinVar variation 851017 (VCV000851017.7), dbSNP rs142985501, ClinGen allele CA958792.
Genomic context (GRCh38, chr1:94,098,973, plus strand): 5'-TGAAGATGATGAAGCGCTCCAGGAGGGCCTCGCTGCAGGCGATGTCCTTCAGCGCCAGGT[C>G]CGGGACTCCATGAGCGAACTGCAGGGAGAAGAGGCAACACTAGAAACTGCCCTGTGGTAG-3'
Protein context (NP_000341.2, residues 187-207): RPEQFAHGVP[Asp197His]LALKDIACSE